The following is an entry in ClinVar:

NM_001453.3(FOXC1):c.455G>A (p.Trp152Ter)

Gene: FOXC1 (forkhead box C1; plus strand). Cytogenetic location: 6p25.3.
Variant type: single nucleotide variant.
Coding change: c.455G>A on transcript NM_001453.3 (MANE Select); coding-DNA position 455, G replaced by A.
Protein change: p.Trp152Ter; replaces tryptophan 152 with a stop codon.
Molecular consequence: nonsense.
Genome position (GRCh38, 1-based): chr6:1,610,900, G>A. VCF-style: chr6-1610900-G-A. GRCh37 (hg19) VCF-style: chr6-1611135-G-A.
Other names: short protein forms W152*.
Identifiers: ClinVar variation 4871498 (VCV004871498.1).

ClinVar aggregate classification (germline): Pathogenic (1 of 4 stars; one submission).

Conditions:
Inborn genetic diseases. Identifiers: MedGen C0950123, MeSH D030342.

Submission:

Ambry Genetics
Classification: Pathogenic for Inborn genetic diseases. Last evaluated: 2026-06-05. Review status: criteria provided, single submitter. Criteria: Ambry Variant Classification Scheme 2023. Collection method: clinical testing. Allele origin: germline.
Comment: The c.455G>A (p.W152*) alteration, located in exon 1 (coding exon 1) of the FOXC1 gene, consists of a G to A substitution at nucleotide position 455. This changes the amino acid from a tryptophan (W) to a stop codon at amino acid position 152. This variant is expected to result in loss of function by premature protein truncation or nonsense-mediated mRNA decay. This variant was not reported in population-based cohorts in the Genome Aggregation Database (gnomAD). Based on the available evidence, this alteration is classified as pathogenic.